The following is an entry in ClinVar:

NM_000181.4(GUSB):c.1213G>A (p.Asp405Asn)

Gene: GUSB (glucuronidase beta; minus strand). Cytogenetic location: 7q11.21.
Variant type: single nucleotide variant.
Coding change: c.1213G>A on transcript NM_000181.4 (MANE Select); coding-DNA position 1213, G replaced by A.
Protein change: p.Asp405Asn; replaces aspartic acid 405 with asparagine.
Molecular consequence: missense variant. On other transcripts: non-coding transcript variant (1).
Genome position (GRCh38, 1-based): chr7:65,974,557, C>T on the plus strand (G>A on the coding strand, the complement: GUSB is on the minus strand). VCF-style: chr7-65974557-C-T. GRCh37 (hg19) VCF-style: chr7-65439544-C-T.
Other names: c.775G>A, p.Asp259Asn (NM_001284290.2); c.643G>A, p.Asp215Asn (NM_001293104.2); c.556G>A, p.Asp186Asn (NM_001293105.2); short protein forms D186N, D405N, D259N, D215N.
Identifiers: ClinVar variation 1461234 (VCV001461234.5), dbSNP rs200149500, ClinGen allele CA4276357.
Genomic context (GRCh38, chr7:65,974,557, plus strand): 5'-GGCGGAGCAGGTGCACAGCAGAGACTCACGGCAGCGCCAGGCCCACGCCGGGACACTCAT[C>T]GATGACCACAATCCCATAGCGGTCACACATCTGCATCACTTCCTCTGCATAGGGGTAGTG-3'
Protein context (NP_000172.2, residues 395-415): MCDRYGIVVI[Asp405Asn]ECPGVGLALP

ClinVar aggregate classification (germline): Uncertain significance. Review status: criteria provided, multiple submitters, no conflicts (2 of 4 stars). 2 submissions from 2 submitters: Uncertain significance (2). Last evaluated 2024-09-03.

Conditions:
Mucopolysaccharidosis type 7 (MPS7). Also called: GUSB DEFICIENCY; SLY SYNDROME; BETA-GLUCURONIDASE DEFICIENCY; MPS VII. Identifiers: Orphanet 584, MedGen C0085132, MONDO:0009662, OMIM 253220.

Allele frequency attached by ClinVar (database versions not stated): gnomAD 0.00005 and 0.00006; gnomAD exomes 0.00006 and 0.00012; ESP Exome Variant Server 0.00008; ExAC 0.00009; TOPMed 0.00015.
gnomAD v4.1: 92 of 1,614,072 alleles (0.0057%); highest among the groups gnomAD compares: East Asian, 0.078%; no homozygotes.

Submissions (2):

Labcorp Genetics (formerly Invitae), Labcorp
Classification: Uncertain significance for Mucopolysaccharidosis type 7. Last evaluated: 2024-09-03. Review status: criteria provided, single submitter. Criteria: Invitae Variant Classification Sherloc (09022015). Collection method: clinical testing. Allele origin: germline.
Comment: This sequence change replaces aspartic acid, which is acidic and polar, with asparagine, which is neutral and polar, at codon 405 of the GUSB protein (p.Asp405Asn). This variant is present in population databases (rs200149500, gnomAD 0.2%). This variant has not been reported in the literature in individuals affected with GUSB-related conditions. ClinVar contains an entry for this variant (Variation ID: 1461234). Invitae Evidence Modeling of protein sequence and biophysical properties (such as structural, functional, and spatial information, amino acid conservation, physicochemical variation, residue mobility, and thermodynamic stability) indicates that this missense variant is not expected to disrupt GUSB protein function with a negative predictive value of 80%. In summary, the available evidence is currently insufficient to determine the role of this variant in disease. Therefore, it has been classified as a Variant of Uncertain Significance.

Department of Pathology and Laboratory Medicine, Sinai Health System
Classification: Uncertain significance for Mucopolysaccharidosis type 7. Last evaluated: 2021-07-30. Review status: criteria provided, single submitter. Criteria: ACMG Guidelines, 2015. Collection method: research. Allele origin: germline.